The following is an entry in ClinVar:

ClinVar aggregate classification (germline): Uncertain significance (1 of 4 stars; one submission).

Conditions:
Neuropathy, hereditary sensory and autonomic, type 2A (HSAN2A). Also called: HSAN IIA; WNK1-Related HSAN2 (HSAN2A); ACROOSTEOLYSIS, GIACCAI TYPE; ACROOSTEOLYSIS, NEUROGENIC; MORVAN DISEASE; NEUROPATHY, CONGENITAL SENSORY. Identifiers: Orphanet 970, MedGen C2752089, MONDO:0024309, OMIM 201300.
Pseudohypoaldosteronism type 2C (PHA2C). Also called: Pseudohypoaldosteronism Type IIC. Identifiers: Orphanet 757, Orphanet 88940, MedGen C1840391, MONDO:0013778, OMIM 614492.

Allele frequency attached by ClinVar (database versions not stated): gnomAD exomes below 0.00001.
gnomAD v4.1: 2 of 1,614,132 alleles (0.00012%); highest among the groups gnomAD compares: Non-Finnish European, 0.00017%; no homozygotes.

Submission:

Labcorp Genetics (formerly Invitae), Labcorp
Classification: Uncertain significance for Neuropathy, hereditary sensory and autonomic, type 2A; Pseudohypoaldosteronism type 2C. Last evaluated: 2022-03-26. Review status: criteria provided, single submitter. Criteria: Invitae Variant Classification Sherloc (09022015). Collection method: clinical testing. Allele origin: germline.
Comment: This variant has not been reported in the literature in individuals affected with WNK1-related conditions. In summary, the available evidence is currently insufficient to determine the role of this variant in disease. Therefore, it has been classified as a Variant of Uncertain Significance. Advanced modeling of protein sequence and biophysical properties (such as structural, functional, and spatial information, amino acid conservation, physicochemical variation, residue mobility, and thermodynamic stability) performed at Invitae indicates that this missense variant is not expected to disrupt WNK1 protein function. This variant is not present in population databases (gnomAD no frequency). This sequence change replaces threonine, which is neutral and polar, with isoleucine, which is neutral and non-polar, at codon 1246 of the WNK1 protein (p.Thr1246Ile).

NM_018979.4(WNK1):c.2243C>T (p.Thr748Ile)

Gene: WNK1 (WNK lysine deficient protein kinase 1; plus strand). Cytogenetic location: 12p13.33.
Variant type: single nucleotide variant.
Coding change: c.2243C>T on transcript NM_018979.4 (MANE Select); coding-DNA position 2243, C replaced by T.
Protein change: p.Thr748Ile; replaces threonine 748 with isoleucine.
Molecular consequence: missense variant.
Genome position (GRCh38, 1-based): chr12:878,231, C>T. VCF-style: chr12-878231-C-T. GRCh37 (hg19) VCF-style: chr12-987397-C-T.
Other names: c.3482C>T, p.Thr1161Ile (NM_001184985.2); c.2240C>T, p.Thr747Ile (NM_014823.3); c.3737C>T, p.Thr1246Ile (NM_213655.5); short protein forms T747I, T1161I, T1246I, T748I.
Identifiers: ClinVar variation 1958705 (VCV001958705.5), dbSNP rs2548917499, ClinGen allele CA383325607.